The following is an entry in ClinVar:

ClinVar aggregate classification (germline): Uncertain significance (1 of 4 stars; one submission).

Submission:

CeGaT Center for Human Genetics Tuebingen
Classification: Uncertain significance. Last evaluated: 2026-02-01. Review status: criteria provided, single submitter. Criteria: CeGaT Center For Human Genetics Tuebingen Variant Classification Criteria Version 2. Collection method: clinical testing. Allele origin: germline. Affected: yes. Observed: 1 variant allele.
Comment: NEXMIF: PM2

NM_001008537.3(NEXMIF):c.1010T>G (p.Phe337Cys)

Gene: NEXMIF (neurite extension and migration factor; minus strand). Cytogenetic location: Xq13.3.
Variant type: single nucleotide variant.
Coding change: c.1010T>G on transcript NM_001008537.3 (MANE Select); coding-DNA position 1010, T replaced by G.
Protein change: p.Phe337Cys; replaces phenylalanine 337 with cysteine.
Molecular consequence: missense variant.
Genome position (GRCh38, 1-based): chrX:74,743,547, A>C on the plus strand (T>G on the coding strand, the complement: NEXMIF is on the minus strand). VCF-style: chrX-74743547-A-C. GRCh37 (hg19) VCF-style: chrX-73963382-A-C.
Other names: short protein forms F337C.
Identifiers: ClinVar variation 4823510 (VCV004823510.4).